The following is an entry in ClinVar:

NM_002299.4(LCT):c.979A>T (p.Lys327Ter)

Genes: LCT (lactase; minus strand), LCT-AS1 (LCT antisense RNA 1; plus strand). Cytogenetic location: 2q21.3.
Variant type: single nucleotide variant.
Coding change: c.979A>T on transcript NM_002299.4 (MANE Select); coding-DNA position 979, A replaced by T.
Protein change: p.Lys327Ter; replaces lysine 327 with a stop codon.
Molecular consequence: nonsense. On other transcripts: non-coding transcript variant (1).
Genome position (GRCh38, 1-based): chr2:135,822,027, T>A on the plus strand (A>T on the coding strand, the complement: LCT is on the minus strand). VCF-style: chr2-135822027-T-A. GRCh37 (hg19) VCF-style: chr2-136579597-T-A.
Other names: short protein forms K327*.
Identifiers: ClinVar variation 3639526 (VCV003639526.2).

ClinVar aggregate classification (germline): Pathogenic (1 of 4 stars; one submission).

Submission:

Labcorp Genetics (formerly Invitae), Labcorp
Classification: Pathogenic. Last evaluated: 2024-02-07. Review status: criteria provided, single submitter. Criteria: Invitae Variant Classification Sherloc (09022015). Collection method: clinical testing. Allele origin: germline.
Comment: This sequence change creates a premature translational stop signal (p.Lys327*) in the LCT gene. It is expected to result in an absent or disrupted protein product. Loss-of-function variants in LCT are known to be pathogenic (PMID: 16400612, 25881162). This variant is not present in population databases (gnomAD no frequency). This variant has not been reported in the literature in individuals affected with LCT-related conditions. For these reasons, this variant has been classified as Pathogenic.

Literature cited by the submitters: PubMed 16400612; PubMed 25881162.